The following is an entry in ClinVar:

ClinVar aggregate classification (germline): Benign/Likely benign. Review status: criteria provided, multiple submitters, no conflicts (2 of 4 stars). 2 submissions from 2 submitters: Benign (1); Likely benign (1). Last evaluated 2026-07-10.

Conditions:
Rhabdoid tumor predisposition syndrome 2 (RTPS2). Identifiers: Orphanet 231108, Orphanet 69077, MedGen C2750074, MONDO:0013224, OMIM 613325.

Allele frequency attached by ClinVar (database versions not stated): ESP Exome Variant Server 0.00008; gnomAD exomes 0.00001 and below 0.00001; TOPMed below 0.00001; ExAC 0.00002.
gnomAD v4.1: 5 of 1,612,030 alleles (0.00031%); highest among the groups gnomAD compares: Non-Finnish European, 0.00042%; no homozygotes.

Submissions (2):

Myriad Genetics, Inc.
Classification: Benign for Rhabdoid tumor predisposition syndrome 2. Last evaluated: 2026-07-10. Review status: criteria provided, single submitter. Criteria: Myriad Autosomal Dominant, Autosomal Recessive and X-Linked Classification Criteria (2023). Collection method: clinical testing. Allele origin: unknown.
Comment: This variant is considered benign. This variant is intronic and is not expected to impact mRNA splicing. This variant has been observed at a population frequency that is significantly greater than expected given the associated disease prevalence and penetrance.

Labcorp Genetics (formerly Invitae), Labcorp
Classification: Likely benign for Rhabdoid tumor predisposition syndrome 2. Last evaluated: 2025-09-20. Review status: criteria provided, single submitter. Criteria: Invitae Variant Classification Sherloc (09022015). Collection method: clinical testing. Allele origin: germline.

NM_003072.5(SMARCA4):c.2001+10C>T

Gene: SMARCA4 (SWI/SNF related BAF chromatin remodeling complex subunit ATPase 4; plus strand). Cytogenetic location: 19p13.2.
Variant type: single nucleotide variant.
Coding change: c.2001+10C>T on transcript NM_003072.5 (MANE Select); 10 bases into the intron after coding-DNA position 2001, C replaced by T.
Molecular consequence: intron variant.
Genome position (GRCh38, 1-based): chr19:11,003,407, C>T. VCF-style: chr19-11003407-C-T. GRCh37 (hg19) VCF-style: chr19-11114083-C-T.
Other names: c.2001+10C>T (NM_001128844.3, NM_001128849.3, NM_001128847.4 and 4 more transcripts).
Identifiers: ClinVar variation 706873 (VCV000706873.11), dbSNP rs375206556, ClinGen allele CA9203968.